The following is an entry in ClinVar:

NM_031448.6(C19orf12):c.234G>A (p.Met78Ile)

Gene: C19orf12 (chromosome 19 open reading frame 12; minus strand). Cytogenetic location: 19q12.
Variant type: single nucleotide variant.
Coding change: c.234G>A on transcript NM_031448.6 (MANE Select); coding-DNA position 234, G replaced by A.
Protein change: p.Met78Ile; replaces methionine 78 with isoleucine.
Molecular consequence: missense variant.
Genome position (GRCh38, 1-based): chr19:29,702,904, C>T on the plus strand (G>A on the coding strand, the complement: C19orf12 is on the minus strand). VCF-style: chr19-29702904-C-T. GRCh37 (hg19) VCF-style: chr19-30193811-C-T.
Other names: c.234G>A, p.Met78Ile (NM_001031726.4, NM_001256046.3, NM_001256047.2); c.42G>A, p.Met14Ile (NM_001282929.1, NM_001282930.3, NM_001282931.3); short protein forms M14I, M78I, M89I.
Identifiers: ClinVar variation 968088 (VCV000968088.10), dbSNP rs778586471, ClinGen allele CA9351909.

ClinVar aggregate classification (germline): Uncertain significance (1 of 4 stars; one submission).

Conditions:
Hereditary spastic paraplegia 43. Also called: Spastic paraplegia 43, autosomal recessive. Identifiers: Orphanet 320370, MedGen C2680446, MONDO:0014024, OMIM 615043.

Allele frequency attached by ClinVar (database versions not stated): ExAC 0.00001; gnomAD exomes 0.00001 and 0.00002; gnomAD 0.00002 and 0.00011; TOPMed 0.00010.
gnomAD v4.1: 24 of 1,614,092 alleles (0.0015%); highest among the groups gnomAD compares: Non-Finnish European, 0.00093%; no homozygotes.

Submission:

Labcorp Genetics (formerly Invitae), Labcorp
Classification: Uncertain significance for Hereditary spastic paraplegia 43. Last evaluated: 2023-11-13. Review status: criteria provided, single submitter. Criteria: Invitae Variant Classification Sherloc (09022015). Collection method: clinical testing. Allele origin: germline.
Comment: This sequence change replaces methionine, which is neutral and non-polar, with isoleucine, which is neutral and non-polar, at codon 89 of the C19orf12 protein (p.Met89Ile). This variant is present in population databases (rs778586471, gnomAD 0.004%). This variant has not been reported in the literature in individuals affected with C19orf12-related conditions. ClinVar contains an entry for this variant (Variation ID: 968088). An algorithm developed to predict the effect of missense changes on protein structure and function (PolyPhen-2) suggests that this variant is likely to be tolerated. In summary, the available evidence is currently insufficient to determine the role of this variant in disease. Therefore, it has been classified as a Variant of Uncertain Significance.